The following is an entry in ClinVar:

NM_000218.3(KCNQ1):c.1024C>T (p.Leu342Phe)

Gene: KCNQ1 (potassium voltage-gated channel subfamily Q member 1; plus strand). Cytogenetic location: 11p15.5.
Variant type: single nucleotide variant.
Coding change: c.1024C>T on transcript NM_000218.3 (MANE Select); coding-DNA position 1024, C replaced by T.
Protein change: p.Leu342Phe; replaces leucine 342 with phenylalanine.
Molecular consequence: missense variant.
Genome position (GRCh38, 1-based): chr11:2,583,537, C>T. VCF-style: chr11-2583537-C-T. GRCh37 (hg19) VCF-style: chr11-2604767-C-T.
Other names: p.L342F:CTC>TTC; c.1024C>T (LRG_287t1); c.1024C>T, p.Leu342Phe (NM_001406836.1); c.754C>T, p.Leu252Phe (NM_001406837.1); c.580C>T, p.Leu194Phe (NM_001406838.1); c.643C>T, p.Leu215Phe (NM_181798.2); short protein forms L342F, L215F, L194F, L252F.
Identifiers: ClinVar variation 52932 (VCV000052932.17), dbSNP rs199472760, ClinGen allele CA004906.
Genomic context (GRCh38, chr11:2,583,537, plus strand): 5'-ACGTGGGTCGGGAAGACCATCGCCTCCTGCTTCTCTGTCTTTGCCATCTCCTTCTTTGCG[C>T]TCCCAGCGGTAGGTGCCCCGTGGGTGCGTTTTCCCTGGCTCCTTGGACAGCTGGGGTCCT-3'
Protein context (NP_000209.2, residues 332-352): FSVFAISFFA[Leu342Phe]PAGILGSGFA

ClinVar aggregate classification (germline): Pathogenic/Likely pathogenic. Review status: criteria provided, multiple submitters, no conflicts (2 of 4 stars). 6 submissions from 6 submitters: Pathogenic (3); Likely pathogenic (2). 1 of the submissions does not count toward it. Last evaluated 2026-01-18.

Conditions:
KCNQ1-related disorder. Also called: KCNQ1-related condition; KCNQ1-related disorders. Identifiers: MedGen CN239322.
Cardiovascular phenotype. Identifiers: MedGen CN230736.
Familial long QT syndrome (RWS). Also called: Congenital long QT syndrome; Romano-Ward syndrome; VENTRICULAR FIBRILLATION WITH PROLONGED QT INTERVAL. Identifiers: Orphanet 768, MedGen C1141890, MONDO:0019171.
Long QT syndrome (LQTS). Identifiers: MedGen C0023976, MeSH D008133, MONDO:0002442. Disease mechanism: loss of function. Inheritance: Various modes of inheritance.

Submissions (6):

Labcorp Genetics (formerly Invitae), Labcorp
Classification: Pathogenic for Long QT syndrome. Last evaluated: 2026-01-18. Review status: criteria provided, single submitter. Criteria: Invitae Variant Classification Sherloc (09022015). Collection method: clinical testing. Allele origin: germline.
Comment: This sequence change replaces leucine, which is neutral and non-polar, with phenylalanine, which is neutral and non-polar, at codon 342 of the KCNQ1 protein (p.Leu342Phe). This variant is not present in population databases (gnomAD no frequency). This missense change has been observed in individuals with clinical features of long QT syndrome (PMID: 9386136, 24217263, 26675252; internal data). ClinVar contains an entry for this variant (Variation ID: 52932). Invitae Evidence Modeling of protein sequence and biophysical properties (such as structural, functional, and spatial information, amino acid conservation, physicochemical variation, residue mobility, and thermodynamic stability) indicates that this missense variant is expected to disrupt KCNQ1 protein function with a positive predictive value of 95%. Experimental studies have shown that this missense change affects KCNQ1 function (PMID: 9312006). For these reasons, this variant has been classified as Pathogenic.

Blueprint Genetics
Classification: Pathogenic for KCNQ1-related disorders. Last evaluated: 2017-09-08. Review status: criteria provided, single submitter. Criteria: ACMG Guidelines, 2015. Collection method: clinical testing. Allele origin: germline. Affected: yes. Observed: 1 variant allele.

Ambry Genetics
Classification: Likely pathogenic for Cardiovascular phenotype. Last evaluated: 2016-11-21. Review status: criteria provided, single submitter. Criteria: Ambry Variant Classification Scheme 2023. Collection method: clinical testing. Allele origin: germline.
Comment: The p.L342F variant (also known as c.1024C>T), located in coding exon 7 of the KCNQ1 gene, results from a C to T substitution at nucleotide position 1024. The leucine at codon 342 is replaced by phenylalanine, an amino acid with highly similar properties. This variant has been reported in several long QT syndrome (LQTS) cohorts (Donger C et al. Circulation. 1997;96:2778-81; Berge KE et al. Scand J Clin Lab Invest. 2008;68:362-8; Kapplinger JD et al. Heart Rhythm. 2009;6:1297-303; Stattin EL et al. BMC Cardiovasc Disord. 2012;12:95; Haugaa KH et al. Heart Rhythm, 2013 Dec;10:1877-83; Hedley PL et al. Cardiovasc J Afr. 2013;24:231-7; Izumi G et al. Pediatr Cardiol, 2016 Jun;37:962-70). In functional in vitro analyses, this variant has been shown to decrease potassium channel current density (Chouabe C et al. EMBO J. 1997;16:5472-9). This amino acid position is highly conserved in available vertebrate species. In addition, this alteration is predicted to be deleterious by in silico analysis. Based on the majority of available evidence to date, this variant is likely to be pathogenic.

GeneDx
Classification: Pathogenic. Last evaluated: 2011-07-06. Review status: criteria provided, single submitter. Criteria: GeneDx Variant Classification (06012015). Collection method: clinical testing. Allele origin: germline. Affected: yes.
Comment: This missense change is denoted Leu342Phe (aka L342F) at the protein level and c.1024 C>T at the cDNA level. The Leu342Phe mutation in the KCNQ1 gene has been published previously in association with LQTS (Donger C et al., 1997, Berge K et al.,2008). The same study did not detect Leu342Phe in 100 controls (Donger C et al., 1997). Leu342Phe, located in the S6 region of the protein, was subsequently described in three members of one family with LQTS (Berge et al, 2008). Mutations in neighboring residues (Ala341Glu, Ala341Gly, Ala341Val, Pro343Arg, Pro343Leu, Pro343Ser) have also been reported in association with LQTS, further supporting the functional importance of this region of the protein. Furthermore, Leu342Phe was not observed in up to 400 control alleles of Caucasian ethnic background tested at GeneDx, indicating it is not a common benign polymorphism in this population. The variant is found in LQT panel(s).

Molecular Diagnostic Laboratory for Inherited Cardiovascular Disease, Montreal Heart Institute
Classification: Likely pathogenic for Long QT syndrome. Review status: criteria provided, single submitter. Criteria: ACMG Guidelines, 2015. Collection method: clinical testing. Allele origin: germline. Affected: yes.

Cardiovascular Biomedical Research Unit, Royal Brompton & Harefield NHS Foundation Trust
No classification provided. Condition: Familial long QT syndrome. Review status: no classification provided. Collection method: literature only. Allele origin: germline. Not counted in ClinVar's aggregate classification.
Comment: This variant has been reported as associated with Long QT syndrome in the following publications (PMID:9386136;PMID:18752142;PMID:19716085). This is a literature report, and does not necessarily reflect the clinical interpretation of the Imperial College / Royal Brompton Cardiovascular Genetics laboratory.

Literature cited by the submitters: PubMed 9386136 (cited by 3 submitters); PubMed 24217263 (cited by Labcorp Genetics (formerly Invitae), Labcorp and Ambry Genetics); PubMed 26675252 (cited by Labcorp Genetics (formerly Invitae), Labcorp); PubMed 9312006 (cited by Labcorp Genetics (formerly Invitae), Labcorp and Ambry Genetics); PubMed 18752142 (cited by Ambry Genetics and Cardiovascular Biomedical Research Unit, Royal Brompton & Harefield NHS Foundation Trust); PubMed 19716085 (cited by Ambry Genetics and Cardiovascular Biomedical Research Unit, Royal Brompton & Harefield NHS Foundation Trust); PubMed 23098067 (cited by Ambry Genetics); PubMed 24080067 (cited by Ambry Genetics); PubMed 27041096 (cited by Ambry Genetics); PubMed 22581653 (cited by Cardiovascular Biomedical Research Unit, Royal Brompton & Harefield NHS Foundation Trust).